The following is an entry in ClinVar:

NM_001308093.3(GATA4):c.143T>G (p.Val48Gly)

Gene: GATA4 (GATA binding protein 4). Cytogenetic location: 8p23.1.
Variant type: single nucleotide variant.
Coding change: c.143T>G on transcript NM_001308093.3 (MANE Select); coding-DNA position 143, T replaced by G.
Protein change: p.Val48Gly; replaces valine 48 with glycine.
Molecular consequence: missense variant. On other transcripts: intron variant (3).
Genome position (GRCh38, 1-based): chr8:11,708,455, T>G. VCF-style: chr8-11708455-T-G. GRCh37 (hg19) VCF-style: chr8-11565964-T-G.
Other names: c.143T>G (NM_002052.3); c.143T>G, p.Val48Gly (NM_002052.5); c.-6+7677T>G (NM_001308094.2); c.-3+441T>G (NM_001374274.1); c.-3+4151T>G (NM_001374273.1); short protein forms V48G.
Identifiers: ClinVar variation 1387786 (VCV001387786.11), dbSNP rs1272999942, ClinGen allele CA370308987.

ClinVar aggregate classification (germline): Uncertain significance. Review status: criteria provided, multiple submitters, no conflicts (2 of 4 stars). 3 submissions from 3 submitters: Uncertain significance (3). Last evaluated 2025-04-20.

Conditions:
Cardiovascular phenotype. Identifiers: MedGen CN230736.
Atrioventricular septal defect 4 (AVSD4). Identifiers: MedGen C3280781, MONDO:0013747, OMIM 614430.

Allele frequency attached by ClinVar (database versions not stated): TOPMed below 0.00001; gnomAD 0.00001; gnomAD exomes 0.00001.
gnomAD v4.1: 14 of 1,531,848 alleles (0.00091%); highest among the groups gnomAD compares: Non-Finnish European, 0.001%; no homozygotes.

Submissions (3):

Labcorp Genetics (formerly Invitae), Labcorp
Classification: Uncertain significance for Atrioventricular septal defect 4. Last evaluated: 2025-04-20. Review status: criteria provided, single submitter. Criteria: Invitae Variant Classification Sherloc (09022015). Collection method: clinical testing. Allele origin: germline.
Comment: This sequence change replaces valine, which is neutral and non-polar, with glycine, which is neutral and non-polar, at codon 48 of the GATA4 protein (p.Val48Gly). This variant is present in population databases (no rsID available, gnomAD 0.002%). This variant has not been reported in the literature in individuals affected with GATA4-related conditions. ClinVar contains an entry for this variant (Variation ID: 1387786). Invitae Evidence Modeling of protein sequence and biophysical properties (such as structural, functional, and spatial information, amino acid conservation, physicochemical variation, residue mobility, and thermodynamic stability) indicates that this missense variant is not expected to disrupt GATA4 protein function with a negative predictive value of 95%. In summary, the available evidence is currently insufficient to determine the role of this variant in disease. Therefore, it has been classified as a Variant of Uncertain Significance.

Ambry Genetics
Classification: Uncertain significance for Cardiovascular phenotype. Last evaluated: 2024-05-07. Review status: criteria provided, single submitter. Criteria: Ambry Variant Classification Scheme 2023. Collection method: clinical testing. Allele origin: germline.
Comment: The p.V48G variant (also known as c.143T>G), located in coding exon 1 of the GATA4 gene, results from a T to G substitution at nucleotide position 143. The valine at codon 48 is replaced by glycine, an amino acid with dissimilar properties. This amino acid position is conserved. In addition, the in silico prediction for this alteration is inconclusive. Based on the available evidence, the clinical significance of this variant remains unclear.

GeneDx
Classification: Uncertain significance. Last evaluated: 2024-02-28. Review status: criteria provided, single submitter. Criteria: GeneDx Variant Classification Process June 2021. Collection method: clinical testing. Allele origin: germline. Affected: yes.
Comment: Not observed at significant frequency in large population cohorts (gnomAD); In silico analysis supports that this missense variant has a deleterious effect on protein structure/function; Has not been previously published as pathogenic or benign to our knowledge